The following is an entry in ClinVar:

NM_001363941.2(ARMC8):c.1998G>C (p.Met666Ile)

Genes: ARMC8 (armadillo repeat containing 8; plus strand), NME9 (NME/NM23 family member 9; minus strand). Cytogenetic location: 3q22.3.
Variant type: single nucleotide variant.
Coding change: c.1998G>C on transcript NM_001363941.2 (MANE Select); coding-DNA position 1998, G replaced by C.
Protein change: p.Met666Ile; replaces methionine 666 with isoleucine.
Molecular consequence: missense variant. On other transcripts: intron variant (2).
Genome position (GRCh38, 1-based): chr3:138,295,868, G>C. VCF-style: chr3-138295868-G-C. GRCh37 (hg19) VCF-style: chr3-138014710-G-C.
Other names: c.1905G>C, p.Met635Ile (NM_001267041.2); c.1797G>C, p.Met599Ile (NM_001267042.3); c.1779G>C, p.Met593Ile (NM_001282342.2); c.1872G>C, p.Met624Ile (NM_001363942.1); c.1956G>C, p.Met652Ile (NM_015396.6); c.745+7639C>G (NM_178130.4); c.739+7639C>G (NM_001349021.2); short protein forms M593I, M599I, M624I, M635I, M652I, M666I.
Identifiers: ClinVar variation 1331617 (VCV001331617.6), dbSNP rs2108410001, ClinGen allele CA354678133.
Genomic context (GRCh38, chr3:138,295,868, plus strand): 5'-ACCCCAATTACAATTCTGAGATGATGGCTAACAGGAATTTTGTGATTTCAGGGCAAAGAT[G>C]GCACTGCAGCAGTACCTGGCATGATGGGAGTGCCCCTGGGCACCTGCGAGCATCCCACCT-3'
Protein context (NP_001350870.1, residues 656-673): PDSNLCDKAK[Met666Ile]ALQQYLA

ClinVar aggregate classification (germline): Uncertain significance (1 of 4 stars; one submission).

Submission:

Greenwood Genetic Center Diagnostic Laboratories, Greenwood Genetic Center
Classification: Uncertain significance. Last evaluated: 2021-03-16. Review status: criteria provided, single submitter. Criteria: ACMG Guidelines, 2015. Collection method: clinical testing. Allele origin: germline. Affected: yes.
Comment: PVS1, PM2, PM3